The following is an entry in ClinVar:

NM_001127222.2(CACNA1A):c.6460C>T (p.Arg2154Trp)

Gene: CACNA1A (calcium voltage-gated channel subunit alpha1 A; minus strand). Cytogenetic location: 19p13.13.
Variant type: single nucleotide variant.
Coding change: c.6460C>T on transcript NM_001127222.2 (MANE Select); coding-DNA position 6460, C replaced by T.
Protein change: p.Arg2154Trp; replaces arginine 2154 with tryptophan.
Molecular consequence: missense variant.
Genome position (GRCh38, 1-based): chr19:13,209,378, G>A on the plus strand (C>T on the coding strand, the complement: CACNA1A is on the minus strand). VCF-style: chr19-13209378-G-A. GRCh37 (hg19) VCF-style: chr19-13320192-G-A.
Other names: c.6478C>T, p.Arg2160Trp (NM_000068.4, NM_023035.3); c.6463C>T, p.Arg2155Trp (NM_001127221.2); c.6469C>T, p.Arg2157Trp (NM_001174080.2); c.6463C>T (NM_001127221.1); short protein forms R2154W, R2155W, R2157W, R2160W.
Identifiers: ClinVar variation 1007700 (VCV001007700.47), dbSNP rs1374160355, ClinGen allele CA404330835.

ClinVar aggregate classification (germline): Conflicting classifications of pathogenicity. Review status: criteria provided, conflicting classifications (1 of 4 stars). 3 submissions from 3 submitters: Uncertain significance (2); Likely benign (1). Last evaluated 2026-09-01.

Conditions:
Episodic ataxia type 2 (EA2). Also called: ACETAZOLAMIDE-RESPONSIVE HEREDITARY PAROXYSMAL CEREBELLAR ATAXIA; ATAXIA, EPISODIC, WITH NYSTAGMUS; ATAXIA, FAMILIAL PAROXYSMAL; CEREBELLAR ATAXIA, PAROXYSMAL, ACETAZOLAMIDE-RESPONSIVE; CEREBELLOPATHY, HEREDITARY PAROXYSMAL; EPISODIC ATAXIA, NYSTAGMUS-ASSOCIATED. Identifiers: Orphanet 97, MedGen C1720416, MONDO:0007163, OMIM 108500.
Developmental and epileptic encephalopathy, 42 (DEE42A). Also called: DEVELOPMENTAL AND EPILEPTIC ENCEPHALOPATHY 42A; EPILEPTIC ENCEPHALOPATHY, EARLY INFANTILE, 42A; Epileptic encephalopathy, early infantile, 42. Identifiers: MedGen C4310716, MONDO:0014917, OMIM 617106.
Inborn genetic diseases. Identifiers: MedGen C0950123, MeSH D030342.

Allele frequency attached by ClinVar (database versions not stated): gnomAD 0.00002 and 0.00001; gnomAD exomes 0.00002; TOPMed 0.00001.
gnomAD v4.1: 21 of 1,396,550 alleles (0.0015%); highest among the groups gnomAD compares: Middle Eastern, 0.021%; no homozygotes.

Submissions (3):

CeGaT Center for Human Genetics Tuebingen
Classification: Uncertain significance. Last evaluated: 2026-09-01. Review status: criteria provided, single submitter. Criteria: CeGaT Center For Human Genetics Tuebingen Variant Classification Criteria Version 2. Collection method: clinical testing. Allele origin: germline. Affected: yes. Observed: 4 variant alleles.
Comment: CACNA1A: PM2:Supporting, PP3

Labcorp Genetics (formerly Invitae), Labcorp
Classification: Likely benign for Developmental and epileptic encephalopathy, 42; Episodic ataxia type 2. Last evaluated: 2024-08-13. Review status: criteria provided, single submitter. Criteria: Invitae Variant Classification Sherloc (09022015). Collection method: clinical testing. Allele origin: germline.

Ambry Genetics
Classification: Uncertain significance for Inborn genetic diseases. Last evaluated: 2022-11-18. Review status: criteria provided, single submitter. Criteria: Ambry Variant Classification Scheme 2023. Collection method: clinical testing. Allele origin: germline.